The following is an entry in ClinVar:

ClinVar aggregate classification (germline): Uncertain significance (1 of 4 stars; one submission).

Conditions:
Congenital myasthenic syndrome 8. Also called: Myasthenic syndrome, congenital, 8, with pre- and postsynaptic defects; MYASTHENIC SYNDROME, CONGENITAL, DUE TO AGRIN DEFICIENCY. Identifiers: Orphanet 590, MedGen C3808739, MONDO:0014052, OMIM 615120.

Submission:

Labcorp Genetics (formerly Invitae), Labcorp
Classification: Uncertain significance for Congenital myasthenic syndrome 8. Last evaluated: 2021-10-31. Review status: criteria provided, single submitter. Criteria: Invitae Variant Classification Sherloc (09022015). Collection method: clinical testing. Allele origin: germline.
Comment: This sequence change replaces proline, which is neutral and non-polar, with leucine, which is neutral and non-polar, at codon 1157 of the AGRN protein (p.Pro1157Leu). This variant is not present in population databases (gnomAD no frequency). In summary, the available evidence is currently insufficient to determine the role of this variant in disease. Therefore, it has been classified as a Variant of Uncertain Significance. Algorithms developed to predict the effect of missense changes on protein structure and function are either unavailable or do not agree on the potential impact of this missense change (SIFT: "Tolerated"; PolyPhen-2: "Probably Damaging"; Align-GVGD: "Class C0"). This variant has not been reported in the literature in individuals affected with AGRN-related conditions.

NM_198576.4(AGRN):c.3470C>T (p.Pro1157Leu)

Gene: AGRN (agrin; plus strand). Cytogenetic location: 1p36.33.
Variant type: single nucleotide variant.
Coding change: c.3470C>T on transcript NM_198576.4 (MANE Select); coding-DNA position 3470, C replaced by T.
Protein change: p.Pro1157Leu; replaces proline 1157 with leucine.
Molecular consequence: missense variant.
Genome position (GRCh38, 1-based): chr1:1,047,408, C>T. VCF-style: chr1-1047408-C-T. GRCh37 (hg19) VCF-style: chr1-982788-C-T.
Other names: c.3470C>T, p.Pro1157Leu (NM_001305275.2); c.3155C>T, p.Pro1052Leu (NM_001364727.2); short protein forms P1157L, P1052L.
Identifiers: ClinVar variation 1470342 (VCV001470342.6), dbSNP rs2100663740, ClinGen allele CA337849368.